The following is an entry in ClinVar:

NM_012186.3(FOXE3):c.952T>C (p.Tyr318His)

Genes: FOXE3 (forkhead box E3; plus strand), LINC01389 (long intergenic non-protein coding RNA 1389; minus strand). Cytogenetic location: 1p33.
Variant type: single nucleotide variant.
Coding change: c.952T>C on transcript NM_012186.3 (MANE Select); coding-DNA position 952, T replaced by C.
Protein change: p.Tyr318His; replaces tyrosine 318 with histidine.
Molecular consequence: missense variant.
Genome position (GRCh38, 1-based): chr1:47,417,267, T>C. VCF-style: chr1-47417267-T-C. GRCh37 (hg19) VCF-style: chr1-47882939-T-C.
Other names: short protein forms Y318H.
Identifiers: ClinVar variation 4844457 (VCV004844457.1).

ClinVar aggregate classification (germline): Uncertain significance (1 of 4 stars; one submission).

Conditions:
Cardiovascular phenotype. Identifiers: MedGen CN230736.

Submission:

Ambry Genetics
Classification: Uncertain significance for Cardiovascular phenotype. Last evaluated: 2026-02-15. Review status: criteria provided, single submitter. Criteria: Ambry Variant Classification Scheme 2023. Collection method: clinical testing. Allele origin: germline.
Comment: The p.Y318H variant (also known as c.952T>C), located in coding exon 1 of the FOXE3 gene, results from a T to C substitution at nucleotide position 952. The tyrosine at codon 318 is replaced by histidine, an amino acid with similar properties. This amino acid position is conserved. In addition, the in silico prediction for this alteration is inconclusive. Based on the available evidence, the clinical significance of this variant remains unclear.